The following is an entry in ClinVar:

NM_003638.3(ITGA8):c.1492A>C (p.Met498Leu)

Gene: ITGA8 (integrin subunit alpha 8; minus strand). Cytogenetic location: 10p13.
Variant type: single nucleotide variant.
Coding change: c.1492A>C on transcript NM_003638.3 (MANE Select); coding-DNA position 1492, A replaced by C.
Protein change: p.Met498Leu; replaces methionine 498 with leucine.
Molecular consequence: missense variant.
Genome position (GRCh38, 1-based): chr10:15,613,721, T>G on the plus strand (A>C on the coding strand, the complement: ITGA8 is on the minus strand). VCF-style: chr10-15613721-T-G. GRCh37 (hg19) VCF-style: chr10-15655720-T-G.
Other names: c.1447A>C, p.Met483Leu (NM_001291494.2); short protein forms M483L, M498L.
Identifiers: ClinVar variation 2636505 (VCV002636505.1), dbSNP rs143367295, ClinGen allele CA5420198.
Genomic context (GRCh38, chr10:15,613,721, plus strand): 5'-AGGCAGCAGATGTCATAGAGTCTGGAACCTGGCAAGTTTTATTTTCAAGATTGATAATCA[T>G]TGGGTGCAGCAGAAGCTGGGCATCTACAGTCACAACCGGTCTTGCTCTGCGGGGAGAAAA-3'
Protein context (NP_003629.2, residues 488-508): TVDAQLLLHP[Met498Leu]IINLENKTCQ

ClinVar aggregate classification (germline): Uncertain significance (1 of 4 stars; one submission).

Conditions:
ITGA8-related disorder. Also called: ITGA8-related condition.

gnomAD v4.1: 4 of 1,614,116 alleles (0.00025%); highest among the groups gnomAD compares: South Asian, 0.0033%; no homozygotes.

Submission:

PreventionGenetics, part of Exact Sciences
Classification: Uncertain significance for ITGA8-related condition. Last evaluated: 2022-09-02. Review status: criteria provided, single submitter. Criteria: ACMG Guidelines, 2015. Collection method: clinical testing. Allele origin: germline.
Comment: The ITGA8 c.1492A>C variant is predicted to result in the amino acid substitution p.Met498Leu. To our knowledge, this variant has not been reported in the literature. This variant is reported in 0.0033% of alleles in individuals of South Asian descent in gnomAD. At this time, the clinical significance of this variant is uncertain due to the absence of conclusive functional and genetic evidence.